The following is an entry in ClinVar:

NM_020547.3(AMHR2):c.416C>T (p.Ala139Val)

Gene: AMHR2 (anti-Mullerian hormone receptor type 2; plus strand). Cytogenetic location: 12q13.13.
Variant type: single nucleotide variant.
Coding change: c.416C>T on transcript NM_020547.3 (MANE Select); coding-DNA position 416, C replaced by T.
Protein change: p.Ala139Val; replaces alanine 139 with valine.
Molecular consequence: missense variant.
Genome position (GRCh38, 1-based): chr12:53,424,892, C>T. VCF-style: chr12-53424892-C-T. GRCh37 (hg19) VCF-style: chr12-53818676-C-T.
Other names: c.416C>T, p.Ala139Val (NM_001164690.2, NM_001164691.2); c.416C>T (NM_020547.2); short protein forms A139V.
Identifiers: ClinVar variation 1510902 (VCV001510902.7), dbSNP rs377707786, ClinGen allele CA6600325.

ClinVar aggregate classification (germline): Uncertain significance. Review status: criteria provided, multiple submitters, no conflicts (2 of 4 stars). 2 submissions from 2 submitters: Uncertain significance (2). Last evaluated 2025-08-22.

Conditions:
Inborn genetic diseases. Identifiers: MedGen C0950123, MeSH D030342.

Allele frequency attached by ClinVar (database versions not stated): gnomAD exomes 0.00003 and 0.00011; ESP Exome Variant Server 0.00015; ExAC 0.00018; gnomAD 0.00038 and 0.00043.
gnomAD v4.1: 113 of 1,611,424 alleles (0.007%); highest among the groups gnomAD compares: African/African-American, 0.13%; no homozygotes.

Submissions (2):

Ambry Genetics
Classification: Uncertain significance for Inborn genetic diseases. Last evaluated: 2025-08-22. Review status: criteria provided, single submitter. Criteria: Ambry Variant Classification Scheme 2023. Collection method: clinical testing. Allele origin: germline.

Labcorp Genetics (formerly Invitae), Labcorp
Classification: Uncertain significance. Last evaluated: 2021-09-28. Review status: criteria provided, single submitter. Criteria: Invitae Variant Classification Sherloc (09022015). Collection method: clinical testing. Allele origin: germline.
Comment: This sequence change replaces alanine with valine at codon 139 of the AMHR2 protein (p.Ala139Val). The alanine residue is highly conserved and there is a small physicochemical difference between alanine and valine. This variant is present in population databases (rs377707786, ExAC 0.2%). In summary, the available evidence is currently insufficient to determine the role of this variant in disease. Therefore, it has been classified as a Variant of Uncertain Significance. Algorithms developed to predict the effect of missense changes on protein structure and function output the following: SIFT: "Deleterious"; PolyPhen-2: "Possibly Damaging"; Align-GVGD: "Class C0". The valine amino acid residue is found in multiple mammalian species, which suggests that this missense change does not adversely affect protein function. This variant has not been reported in the literature in individuals affected with AMHR2-related conditions.